The following is an entry in ClinVar:

NM_001010874.5(TECRL):c.1073T>A (p.Met358Lys)

Gene: TECRL (trans-2,3-enoyl-CoA reductase like; minus strand). Cytogenetic location: 4q13.1.
Variant type: single nucleotide variant.
Coding change: c.1073T>A on transcript NM_001010874.5 (MANE Select); coding-DNA position 1073, T replaced by A.
Protein change: p.Met358Lys; replaces methionine 358 with lysine.
Molecular consequence: missense variant. On other transcripts: intron variant (1).
Genome position (GRCh38, 1-based): chr4:64,280,091, A>T on the plus strand (T>A on the coding strand, the complement: TECRL is on the minus strand). VCF-style: chr4-64280091-A-T. GRCh37 (hg19) VCF-style: chr4-65145809-A-T.
Other names: c.964+950T>A (NM_001363796.1); short protein forms M358K.
Identifiers: ClinVar variation 2626084 (VCV002626084.3), dbSNP rs373062805, ClinGen allele CA2935251.

ClinVar aggregate classification (germline): Uncertain significance. Review status: criteria provided, multiple submitters, no conflicts (2 of 4 stars). 2 submissions from 2 submitters: Uncertain significance (2). Last evaluated 2023-08-31.

Conditions:
Cardiovascular phenotype. Identifiers: MedGen CN230736.

Allele frequency attached by ClinVar (database versions not stated): gnomAD 0.00002; ExAC 0.00003; gnomAD exomes 0.00004; ESP Exome Variant Server 0.00008.
gnomAD v4.1: 55 of 1,595,072 alleles (0.0034%); highest among the groups gnomAD compares: Non-Finnish European, 0.0046%; no homozygotes.

Submissions (2):

Ambry Genetics
Classification: Uncertain significance for Cardiovascular phenotype. Last evaluated: 2023-08-31. Review status: criteria provided, single submitter. Criteria: Ambry Variant Classification Scheme 2023. Collection method: clinical testing. Allele origin: germline.
Comment: The p.M358K variant (also known as c.1073T>A), located in coding exon 12 of the TECRL gene, results from a T to A substitution at nucleotide position 1073. The methionine at codon 358 is replaced by lysine, an amino acid with similar properties. This amino acid position is not well conserved in available vertebrate species. In addition, the in silico prediction for this alteration is inconclusive. Since supporting evidence is limited at this time, the clinical significance of this alteration remains unclear.

Blueprint Genetics
Classification: Uncertain significance. Last evaluated: 2019-11-14. Review status: criteria provided, single submitter. Criteria: ACMG Guidelines, 2015. Collection method: clinical testing. Allele origin: germline.